The following is an entry in ClinVar:

ClinVar aggregate classification (germline): Pathogenic (1 of 4 stars; one submission).

Submission:

Labcorp Genetics (formerly Invitae), Labcorp
Classification: Pathogenic. Last evaluated: 2020-12-14. Review status: criteria provided, single submitter. Criteria: Invitae Variant Classification Sherloc (09022015). Collection method: clinical testing. Allele origin: germline.
Comment: For these reasons, this variant has been classified as Pathogenic. This variant has not been reported in the literature in individuals with ABCC8-related conditions. This variant is not present in population databases (ExAC no frequency). This sequence change creates a premature translational stop signal (p.Gln1341Profs*71) in the ABCC8 gene. It is expected to result in an absent or disrupted protein product. Loss-of-function variants in ABCC8 are known to be pathogenic (PMID: 20685672, 23345197).

Literature cited by the submitters: PubMed 20685672; PubMed 23345197.

NM_000352.6(ABCC8):c.4001_4019dup (p.Gln1341fs)

Gene: ABCC8 (ATP binding cassette subfamily C member 8; minus strand). Cytogenetic location: 11p15.1.
Variant type: Duplication.
Coding change: c.4001_4019dup on transcript NM_000352.6 (MANE Select); coding-DNA positions 4001 to 4019, 19 bases duplicated (TCCCAAAGAACTGGCCAGA).
Protein change: p.Gln1341fs; shifts the reading frame from glutamine 1341.
Molecular consequence: frameshift variant. On other transcripts: non-coding transcript variant (1).
Genome position (GRCh38, 1-based): chr11:17,397,016-17,397,034, TCTGGCCAGTTCTTTGGGA duplicated on the plus strand (TCCCAAAGAACTGGCCAGA on the coding strand, the reverse complement: ABCC8 is on the minus strand); duplicating any 19 consecutive bases within chr11:17,397,016-17,397,036 gives the same sequence; the c. name uses the placement nearest the transcript's 3' end. VCF-style (leftmost placement, unchanged base first): chr11-17397015-G-GTCTGGCCAGTTCTTTGGGA. GRCh37 (hg19) VCF-style: chr11-17418562-G-GTCTGGCCAGTTCTTTGGGA.
Other names: c.4004_4022dup, p.Gln1342fs (NM_001287174.3); c.4067_4085dup, p.Gln1363fs (NM_001351295.2); c.4001_4019dup, p.Gln1341fs (NM_001351296.2); c.3998_4016dup, p.Gln1340fs (NM_001351297.2); short protein forms Q1341fs, Q1363fs, Q1342fs, Q1340fs.
Identifiers: ClinVar variation 1453660 (VCV001453660.6), dbSNP rs2133407387, ClinGen allele CA2573146249.